The following is an entry in ClinVar:

ClinVar aggregate classification (germline): Pathogenic (1 of 4 stars; one submission).

Submission:

Institute for Clinical Genetics, University Hospital TU Dresden, University Hospital TU Dresden
Classification: Pathogenic. Last evaluated: 2022-09-15. Review status: criteria provided, single submitter. Criteria: ACMG Guidelines, 2015. Collection method: clinical testing. Allele origin: de novo.
Comment: PVS1, PS2, PM2_SUP

NM_015335.5(MED13L):c.311-1G>A

Gene: MED13L (mediator complex subunit 13L; minus strand). Cytogenetic location: 12q24.21.
Variant type: single nucleotide variant.
Coding change: c.311-1G>A on transcript NM_015335.5 (MANE Select); the canonical splice acceptor site of the intron before coding-DNA position 311, G replaced by A.
Molecular consequence: splice acceptor variant.
Genome position (GRCh38, 1-based): chr12:116,111,513, C>T on the plus strand (G>A on the coding strand, the complement: MED13L is on the minus strand). VCF-style: chr12-116111513-C-T. GRCh37 (hg19) VCF-style: chr12-116549318-C-T.
Identifiers: ClinVar variation 2576185 (VCV002576185.1), dbSNP rs1219697193, ClinGen allele CA386927176.
Genomic context (GRCh38, chr12:116,111,513, plus strand): 5'-TGAAGAGCAGCGTCCTACATTCATAGGAAAGGCCATTTTCCCAGAGTCCTTCTTCCACAA[C>T]TGAAAAAAAAAAGAAAAAAGAAAAAAAAAGAACCAGTAAAAAGGACATCCAAATAAAAAG-3'